The following is an entry in ClinVar:

NM_001374353.1(GLI2):c.1818C>A (p.Gly606=)

Gene: GLI2 (GLI family zinc finger 2; plus strand). Cytogenetic location: 2q14.2.
Variant type: single nucleotide variant.
Coding change: c.1818C>A on transcript NM_001374353.1 (MANE Select); coding-DNA position 1818, C replaced by A.
Protein change: p.Gly606=; no amino-acid change (glycine 606 retained).
Molecular consequence: synonymous variant.
Genome position (GRCh38, 1-based): chr2:120,984,656, C>A. VCF-style: chr2-120984656-C-A. GRCh37 (hg19) VCF-style: chr2-121742232-C-A.
Other names: c.1869C>A, p.Gly623= (NM_001371271.1, NM_005270.5); c.1443C>A, p.Gly481= (NM_001374354.1).
Identifiers: ClinVar variation 259720 (VCV000259720.24), dbSNP rs61732850, ClinGen allele CA1852041.

ClinVar aggregate classification (germline): Benign/Likely benign. Review status: criteria provided, multiple submitters, no conflicts (2 of 4 stars). 5 submissions from 5 submitters: Benign (3); Likely benign (1). 1 of the submissions does not count toward it. Last evaluated 2026-01-28.

Conditions:
GLI2-related disorder. Also called: GLI2-related condition; GLI2-related disorders.
Holoprosencephaly 9 (HPE9). Also called: PITUITARY ANOMALIES WITH HOLOPROSENCEPHALY-LIKE FEATURES; HOLOPROSENCEPHALY WITH MICROPHTHALMIA AND FIRST BRANCHIAL ARCH ANOMALIES. Identifiers: Orphanet 2162, MedGen C1835819, MONDO:0012563, OMIM 610829.
Postaxial polydactyly-anterior pituitary anomalies-facial dysmorphism syndrome. Also called: Culler-Jones syndrome. Identifiers: Orphanet 420584, MedGen C4014479, MONDO:0014369, OMIM 615849.

Allele frequency attached by ClinVar (database versions not stated): TOPMed 0.00866; ESP Exome Variant Server 0.01076; 1000 Genomes Project 30x 0.00781; gnomAD 0.00832; 1000 Genomes Project 0.00839.
gnomAD v4.1: 2,403 of 1,613,930 alleles (0.15%); highest among the groups gnomAD compares: African/African-American, 2.9%; 30 homozygotes.

Submissions (5):

Labcorp Genetics (formerly Invitae), Labcorp
Classification: Benign for Postaxial polydactyly-anterior pituitary anomalies-facial dysmorphism syndrome; Holoprosencephaly 9. Last evaluated: 2026-01-28. Review status: criteria provided, single submitter. Criteria: Invitae Variant Classification Sherloc (09022015). Collection method: clinical testing. Allele origin: germline.

ARUP Laboratories, Molecular Genetics and Genomics, ARUP Laboratories
Classification: Benign. Last evaluated: 2021-09-20. Review status: criteria provided, single submitter. Criteria: ARUP Molecular Germline Variant Investigation Process 2021. Collection method: clinical testing. Allele origin: germline.

Illumina Laboratory Services, Illumina
Classification: Benign for Holoprosencephaly 9. Last evaluated: 2018-01-13. Review status: criteria provided, single submitter. Criteria: ICSL Variant Classification Criteria 13 December 2019. Collection method: clinical testing. Allele origin: germline.
Comment: This variant was observed in the ICSL laboratory as part of a predisposition screen in an ostensibly healthy population. It had not been previously curated by ICSL or reported in the Human Gene Mutation Database (HGMD: prior to June 1st, 2018), and was therefore a candidate for classification through an automated scoring system. Utilizing variant allele frequency, disease prevalence and penetrance estimates, and inheritance mode, an automated score was calculated to assess if this variant is too frequent to cause the disease. Based on the score and internal cut-off values, a variant classified as benign is not then subjected to further curation. The score for this variant resulted in a classification of benign for this disease.

Breakthrough Genomics
Classification: Likely benign. Review status: criteria provided, single submitter. Criteria: ACMG Guidelines, 2015. Collection method: not provided. Allele origin: germline. Inheritance: Autosomal dominant inheritance. Affected: yes.

PreventionGenetics, part of Exact Sciences
Classification: Benign for GLI2-related condition. Last evaluated: 2019-06-13. Review status: no assertion criteria provided. Collection method: clinical testing. Allele origin: germline. Not counted in ClinVar's aggregate classification.
Comment: This variant is classified as benign based on ACMG/AMP sequence variant interpretation guidelines (Richards et al. 2015 PMID: 25741868, with internal and published modifications).